The following is an entry in ClinVar:

ClinVar aggregate classification (germline): Uncertain significance (1 of 4 stars; one submission).

Conditions:
EHBP1L1-related disorder. Also called: EHBP1L1-related condition.

Submission:

PreventionGenetics, part of Exact Sciences
Classification: Uncertain significance for EHBP1L1-related condition. Last evaluated: 2023-05-26. Review status: criteria provided, single submitter. Criteria: ACMG Guidelines, 2015. Collection method: clinical testing. Allele origin: germline.
Comment: The EHBP1L1 c.2707dupA variant is predicted to result in a frameshift and premature protein termination (p.Arg903Lysfs*71). To our knowledge, this variant has not been reported in the literature or in a large population database, indicating this variant is rare. Although we suspect that this variant may be pathogenic, at this time, the clinical significance of this variant is uncertain due to the absence of conclusive functional and genetic evidence.

NM_001099409.3(EHBP1L1):c.2707dup (p.Arg903fs)

Gene: EHBP1L1 (EH domain binding protein 1 like 1; plus strand). Cytogenetic location: 11q13.1.
Variant type: Duplication.
Coding change: c.2707dup on transcript NM_001099409.3 (MANE Select); coding-DNA position 2707, one base duplicated (A; older notation c.2707dupA).
Protein change: p.Arg903fs; shifts the reading frame from arginine 903.
Molecular consequence: frameshift variant. On other transcripts: intron variant (1).
Genome position (GRCh38, 1-based): chr11:65,583,379, A duplicated; the last of 2 consecutive A bases (chr11:65,583,378-65,583,379); duplicating either gives the same sequence. VCF-style (leftmost placement, unchanged base first): chr11-65583377-T-TA. GRCh37 (hg19) VCF-style: chr11-65350848-T-TA.
Other names: c.820-862dup (NM_001351087.2); short protein forms R903fs.
Identifiers: ClinVar variation 2632250 (VCV002632250.1), dbSNP rs1287316066, ClinGen allele CA679326393.